The following is an entry in ClinVar:

NM_001267550.2(TTN):c.55802_55803del (p.Lys18601fs)

Genes: TTN-AS1 (TTN antisense RNA 1; plus strand), TTN (titin; minus strand). Cytogenetic location: 2q31.2.
Variant type: Deletion.
Coding change: c.55802_55803del on transcript NM_001267550.2 (MANE Select); coding-DNA positions 55802 to 55803, 2 bases deleted (AA; older notation c.55802_55803delAA).
Protein change: p.Lys18601fs; shifts the reading frame from lysine 18601.
Molecular consequence: frameshift variant.
Genome position (GRCh38, 1-based): chr2:178,601,101-178,601,102, TT deleted on the plus strand (AA on the coding strand, the reverse complement: TTN is on the minus strand); deleting any 2 consecutive bases within chr2:178,601,101-178,601,103 gives the same sequence; the c. name uses the placement nearest the transcript's 3' end. VCF-style (leftmost placement, unchanged base first): chr2-178601100-GTT-G. GRCh37 (hg19) VCF-style: chr2-179465827-GTT-G.
Other names: c.50879_50880del, p.Lys16960fs (NM_001256850.1); c.28607_28608del, p.Lys9536fs (NM_003319.4); c.48098_48099del, p.Lys16033fs (NM_133378.4); c.28982_28983del, p.Lys9661fs (NM_133432.3); c.29183_29184del, p.Lys9728fs (NM_133437.4); short protein forms K16960fs, K16033fs, K18601fs, K9661fs, K9536fs, K9728fs.
Identifiers: ClinVar variation 2107614 (VCV002107614.4), dbSNP rs2469984881, ClinGen allele CA430268681.
Genomic context (GRCh38, chr2:178,601,100, plus strand): 5'-CCCATGCAAGGCACTCAACAATATAGTGGGTAACAGGGGAGCCCCCATCATTCTTCGGGG[GTT>G]TCCATGACAGATGCACTGTGTTCTTTGTGATGAGGCCAATCTTGAGTTTAATAGGAGGAT-3'

ClinVar aggregate classification (germline): Likely pathogenic (1 of 4 stars; one submission).

Conditions:
Dilated cardiomyopathy 1G (CMD1G). Identifiers: Orphanet 154, MedGen C1858763, MONDO:0011400, OMIM 604145.
Autosomal recessive limb-girdle muscular dystrophy type 2J (LGMDR10). Also called: Limb-girdle muscular dystrophy, type 2J; MUSCULAR DYSTROPHY, LIMB-GIRDLE, AUTOSOMAL RECESSIVE 10. Identifiers: Orphanet 140922, MedGen C1837342, MONDO:0012127, OMIM 608807.

Submission:

Labcorp Genetics (formerly Invitae), Labcorp
Classification: Likely pathogenic for Dilated cardiomyopathy 1G; Autosomal recessive limb-girdle muscular dystrophy type 2J. Last evaluated: 2025-06-30. Review status: criteria provided, single submitter. Criteria: Invitae Variant Classification Sherloc (09022015). Collection method: clinical testing. Allele origin: germline.
Comment: This sequence change creates a premature translational stop signal (p.Lys18601Thrfs*5) in the TTN gene. While this is not anticipated to result in nonsense mediated decay, it is expected to create a truncated TTN protein. This variant is not present in population databases (gnomAD no frequency). This variant has not been reported in the literature in individuals affected with TTN-related conditions. ClinVar contains an entry for this variant (Variation ID: 2107614). This variant is located in the A band of TTN (PMID: 25589632). Truncating variants in this region are significantly overrepresented in patients affected with dilated cardiomyopathy (PMID: 25589632). Truncating variants in this region have also been reported in individuals affected with autosomal recessive centronuclear myopathy (PMID: 23975875). In summary, the currently available evidence indicates that the variant is pathogenic, but additional data are needed to prove that conclusively. Therefore, this variant has been classified as Likely Pathogenic.

Literature cited by the submitters: PubMed 25589632; PubMed 23975875.